The following is an entry in ClinVar:

ClinVar aggregate classification (germline): Pathogenic (1 of 4 stars; one submission).

Submission:

Labcorp Genetics (formerly Invitae), Labcorp
Classification: Pathogenic. Last evaluated: 2025-04-07. Review status: criteria provided, single submitter. Criteria: Invitae Variant Classification Sherloc (09022015). Collection method: clinical testing. Allele origin: germline.
Comment: This sequence change creates a premature translational stop signal (p.Gln584*) in the LRP5 gene. It is expected to result in an absent or disrupted protein product. Loss-of-function variants in LRP5 are known to be pathogenic (PMID: 11719191, 16252235, 25711638). This variant is present in population databases (no rsID available, gnomAD 0.01%). This premature translational stop signal has been observed in individual(s) with clinical features of LRP5-related conditions (PMID: 16252235). For these reasons, this variant has been classified as Pathogenic.

Literature cited by the submitters: PubMed 11719191; PubMed 16252235; PubMed 25711638.

NM_002335.4(LRP5):c.1750C>T (p.Gln584Ter)

Gene: LRP5 (LDL receptor related protein 5; plus strand). Cytogenetic location: 11q13.2.
Variant type: single nucleotide variant.
Coding change: c.1750C>T on transcript NM_002335.4 (MANE Select); coding-DNA position 1750, C replaced by T.
Protein change: p.Gln584Ter; replaces glutamine 584 with a stop codon.
Molecular consequence: nonsense. On other transcripts: 5 prime UTR variant (1).
Genome position (GRCh38, 1-based): chr11:68,403,648, C>T. VCF-style: chr11-68403648-C-T. GRCh37 (hg19) VCF-style: chr11-68171116-C-T.
Other names: c.-188C>T (NM_001291902.2); short protein forms Q584*.
Identifiers: ClinVar variation 4709865 (VCV004709865.1).